The following is an entry in ClinVar:

NM_006494.4(ERF):c.891_892del (p.Gly299fs)

Gene: ERF (ETS2 repressor factor; minus strand). Cytogenetic location: 19q13.2.
Variant type: Deletion.
Coding change: c.891_892del on transcript NM_006494.4 (MANE Select); coding-DNA positions 891 to 892, 2 bases deleted (AG; older notation c.891_892delAG).
Protein change: p.Gly299fs; shifts the reading frame from glycine 299.
Molecular consequence: frameshift variant.
Genome position (GRCh38, 1-based): chr19:42,249,220-42,249,221, CT deleted on the plus strand (AG on the coding strand, the reverse complement: ERF is on the minus strand). VCF-style (leftmost placement, unchanged base first): chr19-42249219-CCT-C. GRCh37 (hg19) VCF-style: chr19-42753371-CCT-C.
Other names: p.Gly299Argfs*9; c.891_892delAG (NM_006494.2, NM_006494.4); c.891_892del (NM_006494.3); c.666_667del, p.Gly224fs (NM_001301035.2, NM_001308402.2, NM_001312656.2); short protein forms G299fs, G224fs.
Identifiers: ClinVar variation 55924 (VCV000055924.30), dbSNP rs587777007, ClinGen allele CA249530.
Genomic context (GRCh38, chr19:42,249,219, plus strand): 5'-GTGTGGGCCTGCAGGTACCGTTTCATGTCCTCAGGGCTGAAGGAGAAGTGGGAGCCTCCC[CCT>C]GAGCCGCTGGGCCCCCCGCCACCACTGGGGTACATCGGGCTCAGCGTGGGCGAGGGAGTG-3'

ClinVar aggregate classification (germline): Pathogenic/Likely pathogenic. Review status: criteria provided, multiple submitters, no conflicts (2 of 4 stars). 15 submissions from 15 submitters: Pathogenic (13); Likely pathogenic (1). 1 of the submissions does not count toward it. Last evaluated 2026-06-12.

Conditions:
ERF-related disorder. Also called: ERF-related disorders; ERF-related condition.
Noonan-like syndrome. Also called: Noonan Syndrome-like disorder. Identifiers: MedGen C1834120. Disease mechanism: gain of function.
Chitayat syndrome (CHYTS). Identifiers: MedGen C4310679, MONDO:0014956, OMIM 617180.
Lambdoidal craniosynostosis. Identifiers: MedGen C1833340, HP:0004443.
Common craniosynostosis syndromes.
Autosomal dominant ERF-related disorders.
Inborn genetic diseases. Identifiers: MedGen C0950123, MeSH D030342.
TWIST1-related craniosynostosis (CRS1). Also called: CRANIOSYNOSTOSIS 1. Identifiers: Orphanet 63440, MedGen C4551902, MONDO:0007399, OMIM 123100. Inheritance: Heterogenous inheritance pattern.

Allele frequency attached by ClinVar (database versions not stated): gnomAD exomes below 0.00001.

Submissions (15):

Genetics Laboratory, Great Ormond Street Hospital NHS Foundation Trust, North Thames Genomic Laboratory Hub
Classification: Pathogenic for Common craniosynostosis syndromes. Last evaluated: 2026-06-12. Review status: criteria provided, single submitter. Criteria: ACGS Best Practice Guidelines for Variant Classification in Rare Disease 2024 v1.2. Collection method: clinical testing. Allele origin: germline. Affected: yes.
Comment: PS4_moderate, PM2_moderate, PVS1_very-strong

CeGaT Center for Human Genetics Tuebingen
Classification: Pathogenic. Last evaluated: 2026-06-01. Review status: criteria provided, single submitter. Criteria: CeGaT Center For Human Genetics Tuebingen Variant Classification Criteria Version 2. Collection method: clinical testing. Allele origin: germline. Affected: yes. Observed: 3 variant alleles.
Comment: ERF: PVS1:Strong, PM2, PM6, PS4:Moderate

Variantyx, Inc.
Classification: Pathogenic for Autosomal dominant ERF-related disorders. Last evaluated: 2025-12-30. Review status: criteria provided, single submitter. Criteria: Variantyx Assertion Criteria 2022. Collection method: clinical testing. Allele origin: de novo. Inheritance: Autosomal dominant inheritance. Affected: yes.
Comment: This is a frameshift variant in the ERF gene (OMIM: 611888). Pathogenic variants in this gene have been associated with autosomal dominant ERF-related disorders. This variant has been reported in several affected individuals (PMID: 38824261, 23354439) (PS4). It likely occurred de novo in individuals reported in the published literature, however, the possibility of parental germline mosaicism cannot be excluded (PMID: 38824261, 30758909, 23354439) (PS2). This variant introduces a premature termination codon in exon 4 out of 4 and is expected to result in loss of function, which is a known disease mechanism for ERF in these disorders (PMID: 23354439, 35591945, 30758909) (PVS1). Functional studies performed in vitro reveal that this variant results in loss of function (PMID 40307313). The maximum allele frequency in non-founder control populations of this variant is 0.0001% (PM2). Based on the current evidence, this variant is classified as pathogenic for autosomal dominant ERF-related disorders.

Labcorp Genetics (formerly Invitae), Labcorp
Classification: Pathogenic for TWIST1-related craniosynostosis. Last evaluated: 2025-04-21. Review status: criteria provided, single submitter. Criteria: Invitae Variant Classification Sherloc (09022015). Collection method: clinical testing. Allele origin: germline.
Comment: This sequence change creates a premature translational stop signal (p.Gly299Argfs*9) in the ERF gene. While this is not anticipated to result in nonsense mediated decay, it is expected to disrupt the last 250 amino acid(s) of the ERF protein. This variant is not present in population databases (gnomAD no frequency). This premature translational stop signal has been observed in individual(s) with clinical features of ERF-related craniosynostosis (PMID: 28808027, 30758909). It has also been observed to segregate with disease in related individuals. ClinVar contains an entry for this variant (Variation ID: 55924). This variant disrupts a region of the ERF protein in which other variant(s) (p.Pro358Thrfs*20) have been determined to be pathogenic (internal data). This suggests that this is a clinically significant region of the protein, and that variants that disrupt it are likely to be disease-causing. For these reasons, this variant has been classified as Pathogenic.

Department of Medical Genetics, Tohoku University School of Medicine
Classification: Pathogenic for Noonan Syndrome-like disorder. Last evaluated: 2025-01-10. Review status: criteria provided, single submitter. Criteria: ACMG Guidelines, 2015. Collection method: research. Allele origin: de novo. Affected: yes.
Comment: This frameshift variant is predicted to result in a premature stop codon in ERF, and is observed in gnomAD 4.1 at a low frequency. This variant has been identified as a de novo occurrence, without confirmation of paternity and maternity. This variant has been reported in multiple symptomatic individuals (PMID: 23354439, 30758909, 36360262; ClinVar variant ID: 55924). PVS1, PM6, PP5

3billion
Classification: Pathogenic for Craniosynostosis 4. Last evaluated: 2024-11-26. Review status: criteria provided, single submitter. Criteria: ACMG Guidelines, 2015. Collection method: clinical testing. Allele origin: germline. Affected: yes.
Comment: The variant is observed at an extremely low frequency in the gnomAD v4.1.0 dataset (total allele frequency: <0.001%). Predicted Consequence/Location: Frameshift: predicted to result in a loss or disruption of normal protein function through protein truncation. The predicted truncated protein may be shortened by more than 10%. The variant has been previously reported as de novo in a similarly affected individual (PMID: 23354439). The variant has been reported at least twice as pathogenic without evidence for the classification (ClinVar ID: VCV000055924 /PMID: 23354439). Therefore, this variant is classified as Pathogenic according to the recommendation of ACMG/AMP guideline.

Undiagnosed Diseases Network, NIH
Classification: Pathogenic for Craniosynostosis 4. Last evaluated: 2024-08-07. Review status: criteria provided, single submitter. Criteria: ACMG Guidelines, 2015. Collection method: clinical testing. Allele origin: paternal. Affected: yes. Observed: 1 heterozygote. Study: Undiagnosed Diseases Network (NIH), UDN.
Comment: Information summarized from clinical sequencing report: The c.891_892del (p.G299Rfs*9) variant in the ERF gene has been previously reported in multiple unrelated families with craniosynostosis (PMID: 23354439, 30758909, 36360262). It has been observed in gnomAD (v4) at a low frequency. This frameshift variant is located in exon 4 of 4. It is predicted to escape nonsense-mediated decay (NMD) but impact a significant portion of the protein length (250aa, 46% of the protein) or a critical region of the protein, potentially disrupting normal protein function.

Baylor Genetics
Classification: Pathogenic for Chitayat syndrome. Last evaluated: 2024-03-26. Review status: criteria provided, single submitter. Criteria: ACMG Guidelines, 2015. Collection method: clinical testing. Allele origin: unknown.

GeneDx
Classification: Pathogenic. Last evaluated: 2022-09-07. Review status: criteria provided, single submitter. Criteria: GeneDx Variant Classification Process June 2021. Collection method: clinical testing. Allele origin: germline. Affected: yes.
Comment: Frameshift variant predicted to result in protein truncation, as the last 250 amino acids are replaced with 8 different amino acids, and other loss-of-function variants have been reported downstream in HGMD; Not observed at significant frequency in large population cohorts (gnomAD); This variant is associated with the following publications: (PMID: 23354439, 30758909)

Genetics Laboratory, UDIAT-Centre Diagnòstic, Hospital Universitari Parc Tauli
Classification: Pathogenic. Last evaluated: 2021-04-26. Review status: criteria provided, single submitter. Criteria: Parc Tauli Hospital Assertion Criteria 2021. Collection method: clinical testing. Allele origin: maternal. Inheritance: Autosomal dominant inheritance. Affected: yes. Observed: 1 heterozygote.
Comment: PVS1_strong;PP5_strong;PM2_supporting

Blueprint Genetics
Classification: Pathogenic for ERF-related disorders. Last evaluated: 2021-02-22. Review status: criteria provided, single submitter. Criteria: ACMG Guidelines, 2015. Collection method: clinical testing. Allele origin: de novo. Affected: yes. Observed: 2 variant alleles.

Johns Hopkins Genomics, Johns Hopkins University
Classification: Likely pathogenic for Craniosynostosis 4. Last evaluated: 2020-07-15. Review status: criteria provided, single submitter. Criteria: ACMG Guidelines, 2015. Collection method: clinical testing. Allele origin: germline.
Comment: This ERF variant is absent in a large population dataset. It has been identified in three unrelated families with complex craniosynostosis and has an entry in ClinVar. This frameshift variant is predicted to lead to a premature stop codon in the last exon of the gene, likely escaping nonsense-mediated decay and resulting in a truncated protein product. We consider it to be likely pathogenic.

Ambry Genetics
Classification: Pathogenic for Inborn genetic diseases. Last evaluated: 2018-10-01. Review status: criteria provided, single submitter. Criteria: Ambry exome assertion method (8-5-2015). Collection method: clinical testing. Allele origin: germline. Affected: yes. Observed: 1 variant allele.

Juno Genomics, Hangzhou Juno Genomics, Inc
Classification: Pathogenic for Chitayat syndrome; Craniosynostosis 4. Review status: criteria provided, single submitter. Criteria: ACMG Guidelines, 2015. Collection method: clinical testing. Allele origin: germline. Affected: yes.
Comment: Absent from controls (or at extremely low frequency if recessive) in Genome Aggregation Database, Exome Sequencing Project, 1000 Genomes Project, or Exome Aggregation Consortium.;Null variant in a gene where loss of function (LOF) is a known mechanism of disease.;The prevalence of the variant in affected individuals is significantly increased compared to the prevalence in controls.;Assumed de novo, but without confirmation of paternity and maternity.;Co-segregation with disease in multiple affected family members in a gene definitively known to cause the disease.;Patient's phenotype or family history is highly specific for a disease with a single genetic etiology.

OMIM
Classification: Pathogenic for CRANIOSYNOSTOSIS 4. Last evaluated: 2013-03-01. Review status: no assertion criteria provided. Collection method: literature only. Allele origin: germline. Not counted in ClinVar's aggregate classification.

Literature cited by the submitters: PubMed 23354439 (cited by 5 submitters); PubMed 35591945 (cited by Variantyx, Inc.); PubMed 30758909 (cited by 3 submitters); PubMed 28808027 (cited by Labcorp Genetics (formerly Invitae), Labcorp); PubMed 26097063 (cited by Johns Hopkins Genomics, Johns Hopkins University).